The following is an entry in ClinVar:

NM_000143.4(FH):c.1519_1521del (p.Leu507del)

Gene: FH (fumarate hydratase; minus strand). Cytogenetic location: 1q43.
Variant type: Deletion.
Coding change: c.1519_1521del on transcript NM_000143.4 (MANE Select); coding-DNA positions 1519 to 1521, 3 bases deleted (CTG; older notation c.1519_1521delCTG).
Protein change: p.Leu507del; deletes leucine 507.
Molecular consequence: inframe deletion. On other transcripts: inframe indel (1).
Genome position (GRCh38, 1-based): chr1:241,497,840-241,497,842, CAG deleted on the plus strand (CTG on the coding strand, the reverse complement: FH is on the minus strand); deleting any 3 consecutive bases within chr1:241,497,840-241,497,844 gives the same sequence; the c. name uses the placement nearest the transcript's 3' end. VCF-style (leftmost placement, unchanged base first): chr1-241497839-CCAG-C. GRCh37 (hg19) VCF-style: chr1-241661139-CCAG-C.
Other names: c.1519_1521delCTG (NM_000143.3); short protein forms L507del.
Identifiers: ClinVar variation 1774367 (VCV001774367.2), dbSNP rs2527308315, ClinGen allele CA2580063423.

ClinVar aggregate classification (germline): Likely pathogenic (1 of 4 stars; one submission).

Conditions:
Hereditary cancer-predisposing syndrome. Also called: Hereditary Cancer Syndrome; Hereditary neoplastic syndrome; Neoplastic Syndromes, Hereditary; Tumor predisposition. Identifiers: Orphanet 140162, MedGen C0027672, MeSH D009386, MONDO:0015356.

Submission:

Ambry Genetics
Classification: Likely pathogenic for Hereditary cancer-predisposing syndrome. Last evaluated: 2021-01-13. Review status: criteria provided, single submitter. Criteria: Ambry Variant Classification Scheme 2023. Collection method: clinical testing. Allele origin: germline.
Comment: The c.1519_1521delCTG variant (also known as p.L507del) is located in coding exon 10 of the FH gene. This variant results from an in-frame CTG deletion at nucleotide positions 1519 to 1521. A close-match alteration, FH c.1520T>C (P.L507P) is considered likely pathogenic and highlights the clinical importance of this residue (Ambry internal data; Alam NA et al. J Mol Diagn, 2005 Oct;7:437-43). This alteration has been observed in at least one individual with a personal and/or family history that is consistent with FH-related disease (Ambry internal data). Based on internal structural analysis, this variant decreases structural stability and protein-protein binding (Ajalla Aleixo MA et al. FEBS J, 2019 05;286:1925-1940). This variant was not reported in population-based cohorts in the Genome Aggregation Database (gnomAD). Based on the majority of available evidence to date, this variant is likely to be pathogenic.

Literature cited by the submitters: PubMed 30761759.